The following is an entry in ClinVar:

NM_022089.4(ATP13A2):c.1819C>G (p.Leu607Val)

Gene: ATP13A2 (ATPase cation transporting 13A2; minus strand). Cytogenetic location: 1p36.13.
Variant type: single nucleotide variant.
Coding change: c.1819C>G on transcript NM_022089.4 (MANE Select); coding-DNA position 1819, C replaced by G.
Protein change: p.Leu607Val; replaces leucine 607 with valine.
Molecular consequence: missense variant.
Genome position (GRCh38, 1-based): chr1:16,992,512, G>C on the plus strand (C>G on the coding strand, the complement: ATP13A2 is on the minus strand). VCF-style: chr1-16992512-G-C. GRCh37 (hg19) VCF-style: chr1-17319007-G-C.
Other names: c.1804C>G, p.Leu602Val (NM_001141973.3, NM_001141974.3); short protein forms L602V, L607V.
Identifiers: ClinVar variation 2418905 (VCV002418905.5), dbSNP rs772266257, ClinGen allele CA338246784.

ClinVar aggregate classification (germline): Uncertain significance (1 of 4 stars; one submission).

Conditions:
Kufor-Rakeb syndrome (KRS). Also called: PARKINSON DISEASE 9, AUTOSOMAL RECESSIVE, JUVENILE-ONSET. Identifiers: Orphanet 306674, Orphanet 314632, MedGen C1847640, MONDO:0011706, OMIM 606693.
Autosomal recessive spastic paraplegia type 78. Identifiers: Orphanet 513436, MedGen C5567893, MONDO:0014975, OMIM 617225.

Allele frequency attached by ClinVar (database versions not stated): gnomAD 0.00001.
gnomAD v4.1: 4 of 1,614,092 alleles (0.00025%); highest among the groups gnomAD compares: Non-Finnish European, 0.00034%; no homozygotes.

Submission:

Labcorp Genetics (formerly Invitae), Labcorp
Classification: Uncertain significance for Kufor-Rakeb syndrome; Autosomal recessive spastic paraplegia type 78. Last evaluated: 2022-07-29. Review status: criteria provided, single submitter. Criteria: Invitae Variant Classification Sherloc (09022015). Collection method: clinical testing. Allele origin: germline.
Comment: Advanced modeling of protein sequence and biophysical properties (such as structural, functional, and spatial information, amino acid conservation, physicochemical variation, residue mobility, and thermodynamic stability) performed at Invitae indicates that this missense variant is not expected to disrupt ATP13A2 protein function. In summary, the available evidence is currently insufficient to determine the role of this variant in disease. Therefore, it has been classified as a Variant of Uncertain Significance. This variant has not been reported in the literature in individuals affected with ATP13A2-related conditions. This variant is not present in population databases (gnomAD no frequency). This sequence change replaces leucine, which is neutral and non-polar, with valine, which is neutral and non-polar, at codon 607 of the ATP13A2 protein (p.Leu607Val).